The following is an entry in ClinVar:

NM_016581.5(ECSIT):c.468G>T (p.Arg156=)

Gene: ECSIT (ECSIT signaling integrator; minus strand). Cytogenetic location: 19p13.2.
Variant type: single nucleotide variant.
Coding change: c.468G>T on transcript NM_016581.5 (MANE Select); coding-DNA position 468, G replaced by T.
Protein change: p.Arg156=; no amino-acid change (arginine 156 retained).
Molecular consequence: synonymous variant. On other transcripts: intron variant (1).
Genome position (GRCh38, 1-based): chr19:11,513,850, C>A on the plus strand (G>T on the coding strand, the complement: ECSIT is on the minus strand). VCF-style: chr19-11513850-C-A. GRCh37 (hg19) VCF-style: chr19-11624665-C-A.
Other names: c.468G>T, p.Arg156= (NM_001142464.3, NM_001243204.2); c.96+5225G>T (NM_001142465.3).
Identifiers: ClinVar variation 5039903 (VCV005039903.1).

ClinVar aggregate classification (germline): Likely benign (1 of 4 stars; one submission).

Submission:

CeGaT Center for Human Genetics Tuebingen
Classification: Likely benign. Last evaluated: 2026-07-01. Review status: criteria provided, single submitter. Criteria: CeGaT Center For Human Genetics Tuebingen Variant Classification Criteria Version 2. Collection method: clinical testing. Allele origin: germline. Affected: yes. Observed: 1 variant allele.
Comment: ECSIT: PM2:Supporting, BP4, BP7